The following is an entry in ClinVar:

NM_000256.3(MYBPC3):c.1191C>T (p.Leu397=)

Gene: MYBPC3 (myosin binding protein C3; minus strand). Cytogenetic location: 11p11.2.
Variant type: single nucleotide variant.
Coding change: c.1191C>T on transcript NM_000256.3 (MANE Select); coding-DNA position 1191, C replaced by T.
Protein change: p.Leu397=; no amino-acid change (leucine 397 retained).
Molecular consequence: synonymous variant.
Genome position (GRCh38, 1-based): chr11:47,343,524, G>A on the plus strand (C>T on the coding strand, the complement: MYBPC3 is on the minus strand). VCF-style: chr11-47343524-G-A. GRCh37 (hg19) VCF-style: chr11-47365075-G-A.
Identifiers: ClinVar variation 704346 (VCV000704346.14), dbSNP rs1319991948, ClinGen allele CA474220439.

ClinVar aggregate classification (germline): Likely benign. Review status: criteria provided, multiple submitters, no conflicts (2 of 4 stars). 5 submissions from 5 submitters: Likely benign (5). Last evaluated 2026-09-23.

Conditions:
MYBPC3-related disorder. Also called: MYBPC3-related condition; MYBPC3-related disease; MYBPC3-related disorders.
Cardiomyopathy (CMYO). Also called: Cardiomyopathies. Identifiers: Orphanet 167848, MedGen C0878544, MONDO:0004994, HP:0001638. Inheritance: Various modes of inheritance.
Hypertrophic cardiomyopathy. Also called: HYPERTROPHIC MYOCARDIOPATHY. Identifiers: Orphanet 217569, MedGen C0007194, MeSH D002312, MONDO:0005045, HP:0001639.

Allele frequency attached by ClinVar (database versions not stated): gnomAD exomes below 0.00001.
gnomAD v4.1: 2 of 1,545,172 alleles (0.00013%); highest among the groups gnomAD compares: Non-Finnish European, 0.000088%; no homozygotes.

Submissions (5):

PreventionGenetics, part of Exact Sciences
Classification: Likely benign for MYBPC3-related condition. Last evaluated: 2026-09-23. Review status: criteria provided, single submitter. Criteria: ACMG Guidelines, 2015. Collection method: clinical testing. Allele origin: germline.
Comment: This variant is classified as likely benign based on ACMG/AMP sequence variant interpretation guidelines (Richards et al. 2015 PMID: 25741868, with internal and published modifications).

Labcorp Genetics (formerly Invitae), Labcorp
Classification: Likely benign for Hypertrophic cardiomyopathy. Last evaluated: 2026-01-19. Review status: criteria provided, single submitter. Criteria: Invitae Variant Classification Sherloc (09022015). Collection method: clinical testing. Allele origin: germline.

All of Us Research Program, National Institutes of Health
Classification: Likely benign for Hypertrophic cardiomyopathy. Last evaluated: 2023-10-02. Review status: criteria provided, single submitter. Criteria: ACMG Guidelines, 2015. Collection method: clinical testing. Allele origin: germline. Inheritance: Autosomal dominant inheritance. Observed: 1 variant allele, 1 heterozygote.
Comment: This study involves interpretation of variants in research participants for the purpose of population health screening. Participant phenotype was not available at the time of variant classification. Additional details can be found in publication PMID: 35346344, PMCID: PMC8962531

Color Diagnostics, LLC DBA Color Health
Classification: Likely benign for Cardiomyopathy. Last evaluated: 2019-12-09. Review status: criteria provided, single submitter. Criteria: ACMG Guidelines, 2015. Collection method: clinical testing. Allele origin: germline.

CHEO Genetics Diagnostic Laboratory, Children's Hospital of Eastern Ontario
Classification: Likely benign for Cardiomyopathy. Last evaluated: 2019-11-27. Review status: criteria provided, single submitter. Criteria: ACMG Guidelines, 2015. Collection method: clinical testing. Allele origin: germline.